The following is an entry in ClinVar:

NM_152490.5(B3GALNT2):c.458A>T (p.Tyr153Phe)

Gene: B3GALNT2 (beta-1,3-N-acetylgalactosaminyltransferase 2; minus strand). Cytogenetic location: 1q42.3.
Variant type: single nucleotide variant.
Coding change: c.458A>T on transcript NM_152490.5 (MANE Select); coding-DNA position 458, A replaced by T.
Protein change: p.Tyr153Phe; replaces tyrosine 153 with phenylalanine.
Molecular consequence: missense variant.
Genome position (GRCh38, 1-based): chr1:235,484,419, T>A on the plus strand (A>T on the coding strand, the complement: B3GALNT2 is on the minus strand). VCF-style: chr1-235484419-T-A. GRCh37 (hg19) VCF-style: chr1-235647735-T-A.
Other names: c.581A>T, p.Tyr194Phe (NM_001277155.3); c.458A>T (NM_152490.2); short protein forms Y153F, Y194F.
Identifiers: ClinVar variation 473887 (VCV000473887.9), dbSNP rs757111780, ClinGen allele CA1464904.

ClinVar aggregate classification (germline): Uncertain significance. Review status: criteria provided, multiple submitters, no conflicts (2 of 4 stars). 3 submissions from 3 submitters: Uncertain significance (3). Last evaluated 2024-03-11.

Conditions:
Inborn genetic diseases. Identifiers: MedGen C0950123, MeSH D030342.
Muscular dystrophy-dystroglycanopathy (congenital with brain and eye anomalies), type a, 11 (MDDGA11). Also called: WALKER-WARBURG SYNDROME OR MUSCLE-EYE-BRAIN DISEASE, B3GALNT2-RELATED; Muscular dystrophy-dystroglycanopathy (congenital with brain and eye anomalies, type A, 11; Congenital muscular dystrophy-dystroglycanopathy with brain and eye anomalies, type A11. Identifiers: Orphanet 588, Orphanet 899, MedGen C3554638, MONDO:0014071, OMIM 615181.

Submissions (3):

Labcorp Genetics (formerly Invitae), Labcorp
Classification: Uncertain significance for Muscular dystrophy-dystroglycanopathy (congenital with brain and eye anomalies), type a, 11. Last evaluated: 2024-03-11. Review status: criteria provided, single submitter. Criteria: Invitae Variant Classification Sherloc (09022015). Collection method: clinical testing. Allele origin: germline.
Comment: This sequence change replaces tyrosine, which is neutral and polar, with phenylalanine, which is neutral and non-polar, at codon 153 of the B3GALNT2 protein (p.Tyr153Phe). This variant is present in population databases (rs757111780, gnomAD 0.002%). This variant has not been reported in the literature in individuals affected with B3GALNT2-related conditions. ClinVar contains an entry for this variant (Variation ID: 473887). Advanced modeling of protein sequence and biophysical properties (such as structural, functional, and spatial information, amino acid conservation, physicochemical variation, residue mobility, and thermodynamic stability) performed at Invitae indicates that this missense variant is not expected to disrupt B3GALNT2 protein function with a negative predictive value of 80%. In summary, the available evidence is currently insufficient to determine the role of this variant in disease. Therefore, it has been classified as a Variant of Uncertain Significance.

GeneDx
Classification: Uncertain significance. Last evaluated: 2023-07-24. Review status: criteria provided, single submitter. Criteria: GeneDx Variant Classification Process June 2021. Collection method: clinical testing. Allele origin: germline. Affected: yes.
Comment: Not observed at significant frequency in large population cohorts (gnomAD); In silico analysis supports that this missense variant does not alter protein structure/function; Has not been previously published as pathogenic or benign to our knowledge

Ambry Genetics
Classification: Uncertain significance for Inborn genetic diseases. Last evaluated: 2022-09-22. Review status: criteria provided, single submitter. Criteria: Ambry Variant Classification Scheme 2023. Collection method: clinical testing. Allele origin: germline.